The following is an entry in ClinVar:

NM_022726.4(ELOVL4):c.203A>G (p.Lys68Arg)

Gene: ELOVL4 (ELOVL fatty acid elongase 4; minus strand). Cytogenetic location: 6q14.1.
Variant type: single nucleotide variant.
Coding change: c.203A>G on transcript NM_022726.4 (MANE Select); coding-DNA position 203, A replaced by G.
Protein change: p.Lys68Arg; replaces lysine 68 with arginine.
Molecular consequence: missense variant.
Genome position (GRCh38, 1-based): chr6:79,926,279, T>C on the plus strand (A>G on the coding strand, the complement: ELOVL4 is on the minus strand). VCF-style: chr6-79926279-T-C. GRCh37 (hg19) VCF-style: chr6-80635996-T-C.
Other names: short protein forms K68R.
Identifiers: ClinVar variation 1515604 (VCV001515604.11), dbSNP rs1392474545, ClinGen allele CA364657448.
Genomic context (GRCh38, chr6:79,926,279, plus strand): 5'-AAAACCATCCCAAAATTATAGATAATGAGCACTAGACGCATCTGAAAAGGTTCTCGGTCC[T>C]TCATCCATTTTGGACCCAGCCACACAAACAGGAGATAAAGAGTGCTTATACTTAGTGTAG-3'
Protein context (NP_073563.1, residues 58-78): LFVWLGPKWM[Lys68Arg]DREPFQMRLV

ClinVar aggregate classification (germline): Uncertain significance. Review status: criteria provided, multiple submitters, no conflicts (2 of 4 stars). 2 submissions from 2 submitters: Uncertain significance (2). Last evaluated 2025-05-12.

Allele frequency attached by ClinVar (database versions not stated): gnomAD 0.00001.
gnomAD v4.1: 2 of 1,613,874 alleles (0.00012%); highest among the groups gnomAD compares: African/African-American, 0.0013%; no homozygotes.

Submissions (2):

Women's Health and Genetics/Laboratory Corporation of America, LabCorp
Classification: Uncertain significance. Last evaluated: 2025-05-12. Review status: criteria provided, single submitter. Criteria: LabCorp Variant Classification Summary - May 2015. Collection method: clinical testing. Allele origin: germline.
Comment: Variant summary: ELOVL4 c.203A>G (p.Lys68Arg) results in a conservative amino acid change in the encoded protein sequence. Algorithms developed to predict the effect of missense changes on protein structure and function are either unavailable or do not agree on the potential impact of this missense change. The variant was absent in 251266 control chromosomes. The available data on variant occurrences in the general population are insufficient to allow any conclusion about variant significance. To our knowledge, no occurrence of c.203A>G in individuals affected with ELOVL4-Related Disorder and no experimental evidence demonstrating its impact on protein function have been reported. ClinVar contains an entry for this variant (Variation ID: 1515604). Based on the evidence outlined above, the variant was classified as uncertain significance.

Labcorp Genetics (formerly Invitae), Labcorp
Classification: Uncertain significance. Last evaluated: 2021-04-27. Review status: criteria provided, single submitter. Criteria: Invitae Variant Classification Sherloc (09022015). Collection method: clinical testing. Allele origin: germline.
Comment: Algorithms developed to predict the effect of missense changes on protein structure and function (SIFT, PolyPhen-2, Align-GVGD) all suggest that this variant is likely to be tolerated, but these predictions have not been confirmed by published functional studies and their clinical significance is uncertain. In summary, the available evidence is currently insufficient to determine the role of this variant in disease. Therefore, it has been classified as a Variant of Uncertain Significance. This variant has not been reported in the literature in individuals with ELOVL4-related conditions. This variant is not present in population databases (ExAC no frequency). This sequence change replaces lysine with arginine at codon 68 of the ELOVL4 protein (p.Lys68Arg). The lysine residue is moderately conserved and there is a small physicochemical difference between lysine and arginine.